The following is an entry in ClinVar:

NM_006904.7(PRKDC):c.9412A>G (p.Ile3138Val)

Gene: PRKDC (protein kinase, DNA-activated, catalytic subunit; minus strand). Cytogenetic location: 8q11.21.
Variant type: single nucleotide variant.
Coding change: c.9412A>G on transcript NM_006904.7 (MANE Select); coding-DNA position 9412, A replaced by G.
Protein change: p.Ile3138Val; replaces isoleucine 3138 with valine.
Molecular consequence: missense variant.
Genome position (GRCh38, 1-based): chr8:47,819,435, T>C on the plus strand (A>G on the coding strand, the complement: PRKDC is on the minus strand). VCF-style: chr8-47819435-T-C. GRCh37 (hg19) VCF-style: chr8-48731996-T-C.
Other names: c.9412A>G, p.Ile3138Val (NM_001081640.2); short protein forms I3138V.
Identifiers: ClinVar variation 2127971 (VCV002127971.4), dbSNP rs2551865137, ClinGen allele CA371138048.

ClinVar aggregate classification (germline): Uncertain significance (1 of 4 stars; one submission).

Conditions:
Severe combined immunodeficiency due to DNA-PKcs deficiency. Also called: IMMUNODEFICIENCY 26 WITH NEUROLOGIC ABNORMALITIES; Immunodeficiency 26 with or without neurologic abnormalities. Identifiers: Orphanet 317425, MedGen C4014833, MONDO:0014423, OMIM 615966.

Submission:

Labcorp Genetics (formerly Invitae), Labcorp
Classification: Uncertain significance for Severe combined immunodeficiency due to DNA-PKcs deficiency. Last evaluated: 2022-04-19. Review status: criteria provided, single submitter. Criteria: Invitae Variant Classification Sherloc (09022015). Collection method: clinical testing. Allele origin: germline.
Comment: In summary, the available evidence is currently insufficient to determine the role of this variant in disease. Therefore, it has been classified as a Variant of Uncertain Significance. Experimental studies and prediction algorithms are not available or were not evaluated, and the functional significance of this variant is currently unknown. This variant has not been reported in the literature in individuals affected with PRKDC-related conditions. This variant is not present in population databases (gnomAD no frequency). This sequence change replaces isoleucine, which is neutral and non-polar, with valine, which is neutral and non-polar, at codon 3138 of the PRKDC protein (p.Ile3138Val).